The following is an entry in ClinVar:

ClinVar aggregate classification (germline): Conflicting classifications of pathogenicity. Review status: criteria provided, conflicting classifications (1 of 4 stars). 3 submissions from 3 submitters: Likely pathogenic (2); Uncertain significance (1). Last evaluated 2025-04-09.

Conditions:
Primary ciliary dyskinesia 7. Also called: CILIARY DYSKINESIA, PRIMARY, 7, WITH OR WITHOUT SITUS INVERSUS. Identifiers: Orphanet 244, MedGen C2678473, MONDO:0012748, OMIM 611884.

Allele frequency attached by ClinVar (database versions not stated): TOPMed 0.00003; gnomAD exomes 0.00006; gnomAD 0.00007; ExAC 0.00014; 1000 Genomes Project 30x 0.00016; 1000 Genomes Project 0.00020.
gnomAD v4.1: 101 of 1,608,862 alleles (0.0063%); highest among the groups gnomAD compares: South Asian, 0.098%; no homozygotes.

Submissions (3):

Women's Health and Genetics/Laboratory Corporation of America, LabCorp
Classification: Likely pathogenic for Primary ciliary dyskinesia 7. Last evaluated: 2025-04-09. Review status: criteria provided, single submitter. Criteria: LabCorp Variant Classification Summary - May 2015. Collection method: clinical testing. Allele origin: germline.
Comment: Variant summary: DNAH11 c.4095+2C>T is located in a canonical splice-site and is predicted to affect mRNA splicing resulting in a significantly altered protein due to either exon skipping, shortening, or inclusion of intronic material. Variants that disrupt the consensus splice site are a relatively common cause of aberrant splicing and loss of DNAH11 function. Several computational tools predict a significant impact on normal splicing: Three predict the variant creates a 5' donor site. One predict the variant strengthens a 5' donor site. However, these predictions have yet to be confirmed by functional studies. The variant allele was found at a frequency of 0.00013 in 246968 control chromosomes. This frequency is not significantly higher than estimated for a pathogenic variant in DNAH11 causing Primary Ciliary Dyskinesia 7, allowing no conclusion about variant significance. To our knowledge, no occurrence of c.4095+2C>T in individuals affected with Primary Ciliary Dyskinesia 7 and no experimental evidence demonstrating its impact on protein function have been reported. ClinVar contains an entry for this variant (Variation ID: 2571275). Based on the evidence outlined above, the variant was classified as likely pathogenic.

Broad Center for Mendelian Genomics, Broad Institute of MIT and Harvard
Classification: Uncertain significance for Primary ciliary dyskinesia 7. Last evaluated: 2025-02-12. Review status: criteria provided, single submitter. Criteria: ACMG Guidelines, 2015. Collection method: curation. Allele origin: germline. Inheritance: Autosomal recessive inheritance.
Comment: The c.4095+2C>T variant in DNAH11 has not been previously reported in the literature in individuals with primary ciliary dyskinesia, but has been identified in 0.1% (88/90234) of South Asian chromosomes by the Genome Aggregation Database (gnomAD; dbSNP ID: rs532007878). Although this variant has been seen in the general population in a heterozygous state, its frequency is not high enough to rule out a pathogenic role. This variant has also been reported in ClinVar (Variation ID: 2571275) and has been interpreted as likely pathogenic by CeGaT Center for Human Genetics Tuebingen. This variant is located in the 3' splice region. Computational tools predict a splicing impact, though this information is not predictive enough to determine out pathogenicity. Loss of function of the DNAH11 gene is an established disease mechanism in autosomal recessive primary ciliary dyskinesia. In summary, the clinical significance of the c.4095+2C>T variant is uncertain. ACMG/AMP Criteria applied: PVS1_strong (Richards 2015).

CeGaT Center for Human Genetics Tuebingen
Classification: Likely pathogenic. Last evaluated: 2023-06-01. Review status: criteria provided, single submitter. Criteria: CeGaT Center For Human Genetics Tuebingen Variant Classification Criteria Version 2. Collection method: clinical testing. Allele origin: germline. Affected: yes. Observed: 1 variant allele.
Comment: DNAH11: PVS1:Strong, PM2

NM_001277115.2(DNAH11):c.4095+2C>T

Gene: DNAH11 (dynein axonemal heavy chain 11; plus strand). Cytogenetic location: 7p15.3.
Variant type: single nucleotide variant.
Coding change: c.4095+2C>T on transcript NM_001277115.2 (MANE Select); the canonical splice donor site of the intron after coding-DNA position 4095, C replaced by T.
Molecular consequence: splice donor variant. On other transcripts: missense variant (1).
Genome position (GRCh38, 1-based): chr7:21,616,294, C>T. VCF-style: chr7-21616294-C-T. GRCh37 (hg19) VCF-style: chr7-21655912-C-T.
Other names: c.4097C>T, p.Ala1366Val (NM_003777.3); short protein forms A1366V.
Identifiers: ClinVar variation 2571275 (VCV002571275.30), dbSNP rs532007878, ClinGen allele CA4179878.